The following is an entry in ClinVar:

NM_153704.6(TMEM67):c.990G>A (p.Leu330=)

Gene: TMEM67 (transmembrane protein 67; plus strand). Cytogenetic location: 8q22.1.
Variant type: single nucleotide variant.
Coding change: c.990G>A on transcript NM_153704.6 (MANE Select); coding-DNA position 990, G replaced by A.
Protein change: p.Leu330=; no amino-acid change (leucine 330 retained).
Molecular consequence: synonymous variant. On other transcripts: non-coding transcript variant (1).
Genome position (GRCh38, 1-based): chr8:93,781,669, G>A. VCF-style: chr8-93781669-G-A. GRCh37 (hg19) VCF-style: chr8-94793897-G-A.
Other names: c.747G>A, p.Leu249= (NM_001142301.1).
Identifiers: ClinVar variation 2930938 (VCV002930938.4), dbSNP rs761599038, ClinGen allele CA4807844.

ClinVar aggregate classification (germline): Likely benign. Review status: criteria provided, multiple submitters, no conflicts (2 of 4 stars). 2 submissions from 2 submitters: Likely benign (2). Last evaluated 2025-06-18.

Conditions:
TMEM67-related disorder. Also called: TMEM67-related condition; TMEM67-related disorders. Identifiers: MedGen CN239423.
Meckel-Gruber syndrome. Also called: Dysencephalia splachnocystica; DYSENCEPHALIA SPLANCHNOCYSTICA; GRUBER SYNDROME. Identifiers: Orphanet 564, MedGen C0265215, MONDO:0018921.
Joubert syndrome. Also called: Familial aplasia of the vermis; JOUBERT-BOLTSHAUSER SYNDROME. Identifiers: Orphanet 475, MedGen C5979921, MONDO:0018772.

Allele frequency attached by ClinVar (database versions not stated): ExAC 0.00001; gnomAD 0.00001; gnomAD exomes 0.00001; TOPMed 0.00001.
gnomAD v4.1: 22 of 1,596,724 alleles (0.0014%); highest among the groups gnomAD compares: Non-Finnish European, 0.0018%; no homozygotes.

Submissions (2):

PreventionGenetics, part of Exact Sciences
Classification: Likely benign for TMEM67-related condition. Last evaluated: 2025-06-18. Review status: criteria provided, single submitter. Criteria: ACMG Guidelines, 2015. Collection method: clinical testing. Allele origin: germline.
Comment: This variant is classified as likely benign based on ACMG/AMP sequence variant interpretation guidelines (Richards et al. 2015 PMID: 25741868, with internal and published modifications).

Labcorp Genetics (formerly Invitae), Labcorp
Classification: Likely benign for Joubert syndrome; Meckel-Gruber syndrome. Last evaluated: 2023-02-16. Review status: criteria provided, single submitter. Criteria: Invitae Variant Classification Sherloc (09022015). Collection method: clinical testing. Allele origin: germline.